The following is an entry in ClinVar:

NM_017777.4(MKS1):c.1342T>G (p.Phe448Val)

Gene: MKS1 (MKS transition zone complex subunit 1; minus strand). Cytogenetic location: 17q22.
Variant type: single nucleotide variant.
Coding change: c.1342T>G on transcript NM_017777.4 (MANE Select); coding-DNA position 1342, T replaced by G.
Protein change: p.Phe448Val; replaces phenylalanine 448 with valine.
Molecular consequence: missense variant. On other transcripts: intron variant (1).
Genome position (GRCh38, 1-based): chr17:58,207,150, A>C on the plus strand (T>G on the coding strand, the complement: MKS1 is on the minus strand). VCF-style: chr17-58207150-A-C. GRCh37 (hg19) VCF-style: chr17-56284511-A-C.
Other names: c.733T>G, p.Phe245Val (NM_001321268.2); c.1342T>G, p.Phe448Val (NM_001321269.2); c.1273+744T>G (NM_001330397.2); short protein forms F245V, F448V.
Identifiers: ClinVar variation 2123220 (VCV002123220.4), dbSNP rs2509407435, ClinGen allele CA400324930.

ClinVar aggregate classification (germline): Uncertain significance (1 of 4 stars; one submission).

Conditions:
Joubert syndrome. Also called: CEREBELLOPARENCHYMAL DISORDER IV; JOUBERT-BOLTSHAUSER SYNDROME; Familial aplasia of the vermis. Identifiers: Orphanet 475, MedGen C5979921, MONDO:0018772.
Meckel-Gruber syndrome. Also called: DYSENCEPHALIA SPLANCHNOCYSTICA; GRUBER SYNDROME; Dysencephalia splachnocystica. Identifiers: Orphanet 564, MedGen C0265215, MONDO:0018921.

Submission:

Labcorp Genetics (formerly Invitae), Labcorp
Classification: Uncertain significance for Joubert syndrome; Meckel-Gruber syndrome. Last evaluated: 2022-11-01. Review status: criteria provided, single submitter. Criteria: Invitae Variant Classification Sherloc (09022015). Collection method: clinical testing. Allele origin: germline.
Comment: This sequence change replaces phenylalanine, which is neutral and non-polar, with valine, which is neutral and non-polar, at codon 448 of the MKS1 protein (p.Phe448Val). This variant is not present in population databases (gnomAD no frequency). This variant has not been reported in the literature in individuals affected with MKS1-related conditions. Advanced modeling of protein sequence and biophysical properties (such as structural, functional, and spatial information, amino acid conservation, physicochemical variation, residue mobility, and thermodynamic stability) performed at Invitae indicates that this missense variant is expected to disrupt MKS1 protein function. In summary, the available evidence is currently insufficient to determine the role of this variant in disease. Therefore, it has been classified as a Variant of Uncertain Significance.